The following is an entry in ClinVar:

ClinVar aggregate classification (germline): Uncertain significance (1 of 4 stars; one submission).

Conditions:
D-2-hydroxyglutaric aciduria 1 (D2HGA1). Identifiers: Orphanet 79315, MedGen C3152055, MONDO:0024554, OMIM 600721.

Allele frequency attached by ClinVar (database versions not stated): gnomAD exomes 0.00001; TOPMed 0.00002; ExAC 0.00003.
gnomAD v4.1: 12 of 1,613,358 alleles (0.00074%); highest among the groups gnomAD compares: Admixed American, 0.0033%; no homozygotes.

Submission:

Labcorp Genetics (formerly Invitae), Labcorp
Classification: Uncertain significance for D-2-hydroxyglutaric aciduria 1. Last evaluated: 2024-01-19. Review status: criteria provided, single submitter. Criteria: Invitae Variant Classification Sherloc (09022015). Collection method: clinical testing. Allele origin: germline.
Comment: This sequence change replaces glycine, which is neutral and non-polar, with arginine, which is basic and polar, at codon 201 of the D2HGDH protein (p.Gly201Arg). This variant is present in population databases (rs772738615, gnomAD 0.006%). This variant has not been reported in the literature in individuals affected with D2HGDH-related conditions. ClinVar contains an entry for this variant (Variation ID: 1360181). Advanced modeling of protein sequence and biophysical properties (such as structural, functional, and spatial information, amino acid conservation, physicochemical variation, residue mobility, and thermodynamic stability) performed at Invitae indicates that this missense variant is expected to disrupt D2HGDH protein function with a positive predictive value of 80%. In summary, the available evidence is currently insufficient to determine the role of this variant in disease. Therefore, it has been classified as a Variant of Uncertain Significance.

NM_152783.5(D2HGDH):c.601G>A (p.Gly201Arg)

Gene: D2HGDH (D-2-hydroxyglutarate dehydrogenase; plus strand). Cytogenetic location: 2q37.3.
Variant type: single nucleotide variant.
Coding change: c.601G>A on transcript NM_152783.5 (MANE Select); coding-DNA position 601, G replaced by A.
Protein change: p.Gly201Arg; replaces glycine 201 with arginine.
Molecular consequence: missense variant. On other transcripts: non-coding transcript variant (1).
Genome position (GRCh38, 1-based): chr2:241,743,732, G>A. VCF-style: chr2-241743732-G-A. GRCh37 (hg19) VCF-style: chr2-242683147-G-A.
Other names: c.199G>A, p.Gly67Arg (NM_001287249.2); c.40G>A, p.Gly14Arg (NM_001352824.2); short protein forms G14R, G201R, G67R.
Identifiers: ClinVar variation 1360181 (VCV001360181.6), dbSNP rs772738615, ClinGen allele CA2221715.
Genomic context (GRCh38, chr2:241,743,732, plus strand): 5'-GTGGAGGAACGGGACTTCATCATGCCGCTGGACTTAGGAGCCAAGGGCAGCTGCCACATC[G>A]GGGGAAACGTGGCAACCAACGCTGGAGGCCTGCGGTTTCTTCGATATGGCTCACTGCATG-3'
Protein context (NP_689996.4, residues 191-211): DLGAKGSCHI[Gly201Arg]GNVATNAGGL